The following is an entry in ClinVar:

NM_000492.4(CFTR):c.1781T>C (p.Leu594Pro)

Gene: CFTR (CF transmembrane conductance regulator; plus strand). Cytogenetic location: 7q31.2.
Variant type: single nucleotide variant.
Coding change: c.1781T>C on transcript NM_000492.4 (MANE Select); coding-DNA position 1781, T replaced by C.
Protein change: p.Leu594Pro; replaces leucine 594 with proline.
Molecular consequence: missense variant.
Genome position (GRCh38, 1-based): chr7:117,591,948, T>C. VCF-style: chr7-117591948-T-C. GRCh37 (hg19) VCF-style: chr7-117232002-T-C.
Other names: short protein forms L594P.
Identifiers: ClinVar variation 455763 (VCV000455763.9), dbSNP rs1554389245, ClinGen allele CA368977794.
Genomic context (GRCh38, chr7:117,591,948, plus strand): 5'-TAAAGTATTTATAAAATTGATATTTATATGTTTTTATATCTTAAAGCTGTGTCTGTAAAC[T>C]GATGGCTAACAAAACTAGGATTTTGGTCACTTCTAAAATGGAACATTTAAAGAAAGCTGA-3'
Protein context (NP_000483.3, residues 584-604): KEIFESCVCK[Leu594Pro]MANKTRILVT

ClinVar aggregate classification (germline): Conflicting classifications of pathogenicity. Review status: criteria provided, conflicting classifications (1 of 4 stars). 2 submissions from 2 submitters: Pathogenic (1); Uncertain significance (1). Last evaluated 2017-05-06.

Conditions:
Cystic fibrosis (CF). Also called: MUCOVISCIDOSIS. Identifiers: Orphanet 586, MedGen C0010674, MONDO:0009061, OMIM 219700. Disease mechanism: loss of function.

Allele frequency attached by ClinVar (database versions not stated): gnomAD exomes below 0.00001.
gnomAD v4.1: 1 of 1,584,504 alleles (0.000063%); highest among the groups gnomAD compares: South Asian, 0.0012%; no homozygotes.

Submissions (2):

Labcorp Genetics (formerly Invitae), Labcorp
Classification: Uncertain significance for Cystic fibrosis. Last evaluated: 2017-05-06. Review status: criteria provided, single submitter. Criteria: Invitae Variant Classification Sherloc (09022015). Collection method: clinical testing. Allele origin: germline.
Comment: This sequence change replaces leucine with proline at codon 594 of the CFTR protein (p.Leu594Pro). The leucine residue is highly conserved and there is a moderate physicochemical difference between leucine and proline. This variant has been observed with a second pathogenic variant in an individual in the Cystic Fibrosis Mutation Database who was found to have elevated sweat chloride levels and a positive IRT test on newborn screening. In summary, this variant is a rare missense change with uncertain impact on protein function. While it is absent from the population and reported in an affected individual, the available evidence is currently insufficient to determine its role in disease. Therefore, it has been classified as a Variant of Uncertain Significance. Algorithms developed to predict the effect of missense changes on protein structure and function (SIFT, PolyPhen-2, Align-GVGD) all suggest that this variant is likely to be disruptive, but these predictions have not been confirmed by published functional studies. This variant is not present in population databases (ExAC no frequency).

Ambry Genetics
Classification: Pathogenic for Cystic fibrosis. Last evaluated: 2017-01-20. Review status: criteria provided, single submitter. Criteria: Ambry Variant Classification Scheme 2023. Collection method: clinical testing. Allele origin: germline.
Comment: The p.L594P pathogenic mutation (also known as c.1781T>C), located in coding exon 14 of the CFTR gene, results from a T to C substitution at nucleotide position 1781. The leucine at codon 594 is replaced by proline, an amino acid with similar properties. Based on our internal structural analysis, this proline is located in the first nucleotide binding domain (NBD1) of the protein, and it is structurally more destabilizing than known pathogenic variants within this domain. This variant was not reported in the ExAC database, with coverage at this position. In addition, this alteration is predicted to be deleterious by in silico analysis. Based on the supporting evidence, this variant is interpreted as a disease-causing mutation.

Literature cited by the submitters: PubMed 26708955 (cited by Ambry Genetics).